The following is an entry in ClinVar:

NM_004944.4(DNASE1L3):c.577G>A (p.Gly193Ser)

Gene: DNASE1L3 (deoxyribonuclease 1L3; minus strand). Cytogenetic location: 3p14.3.
Variant type: single nucleotide variant.
Coding change: c.577G>A on transcript NM_004944.4 (MANE Select); coding-DNA position 577, G replaced by A.
Protein change: p.Gly193Ser; replaces glycine 193 with serine.
Molecular consequence: missense variant.
Genome position (GRCh38, 1-based): chr3:58,197,948, C>T on the plus strand (G>A on the coding strand, the complement: DNASE1L3 is on the minus strand). VCF-style: chr3-58197948-C-T. GRCh37 (hg19) VCF-style: chr3-58183675-C-T.
Other names: c.487G>A, p.Gly163Ser (NM_001256560.2); short protein forms G163S, G193S.
Identifiers: ClinVar variation 1005755 (VCV001005755.4), dbSNP rs200457209, ClinGen allele CA2469920.

ClinVar aggregate classification (germline): Uncertain significance. Review status: criteria provided, multiple submitters, no conflicts (2 of 4 stars). 2 submissions from 2 submitters: Uncertain significance (2). Last evaluated 2024-06-04.

Conditions:
Autosomal systemic lupus erythematosus type 16. Also called: Systemic lupus erythematosus 16. Identifiers: Orphanet 300345, MedGen C3280742, MONDO:0013743, OMIM 614420.

Allele frequency attached by ClinVar (database versions not stated): gnomAD 0.00009 and 0.00010; gnomAD exomes 0.00010; TOPMed 0.00011; ExAC 0.00013.
gnomAD v4.1: 155 of 1,613,364 alleles (0.0096%); highest among the groups gnomAD compares: Middle Eastern, 0.082%; no homozygotes.

Submissions (2):

Fulgent Genetics
Classification: Uncertain significance for Autosomal systemic lupus erythematosus type 16. Last evaluated: 2024-06-04. Review status: criteria provided, single submitter. Criteria: ACMG Guidelines, 2015. Collection method: clinical testing. Allele origin: germline.

Labcorp Genetics (formerly Invitae), Labcorp
Classification: Uncertain significance. Last evaluated: 2022-08-16. Review status: criteria provided, single submitter. Criteria: Invitae Variant Classification Sherloc (09022015). Collection method: clinical testing. Allele origin: germline.
Comment: This sequence change replaces glycine, which is neutral and non-polar, with serine, which is neutral and polar, at codon 193 of the DNASE1L3 protein (p.Gly193Ser). This variant is present in population databases (rs200457209, gnomAD 0.02%). This variant has not been reported in the literature in individuals affected with DNASE1L3-related conditions. ClinVar contains an entry for this variant (Variation ID: 1005755). Algorithms developed to predict the effect of missense changes on protein structure and function are either unavailable or do not agree on the potential impact of this missense change (SIFT: "Deleterious"; PolyPhen-2: "Probably Damaging"; Align-GVGD: "Class C0"). Algorithms developed to predict the effect of sequence changes on RNA splicing suggest that this variant may create or strengthen a splice site. In summary, the available evidence is currently insufficient to determine the role of this variant in disease. Therefore, it has been classified as a Variant of Uncertain Significance.